The following is an entry in ClinVar:

NC_000005.10:g.(?_71599649)_(71599770_?)del

Gene: MCCC2 (methylcrotonyl-CoA carboxylase subunit 2; plus strand). Cytogenetic location: 5q13.2.
Variant type: Deletion.
Identifiers: ClinVar variation 832976 (VCV000832976.1).

ClinVar aggregate classification (germline): Likely pathogenic (1 of 4 stars; one submission).

Conditions:
3-methylcrotonyl-CoA carboxylase 2 deficiency. Also called: 3 alpha methylcrotonyl-CoA carboxylase 2 deficiency; 3 alpha methylcrotonylglycinuria 2; MCC 2 deficiency; Methylcrotonylglycinuria type 2; METHYLCROTONYLGLYCINURIA, TYPE II. Identifiers: Orphanet 6, MedGen C1859499, MONDO:0008862, OMIM 210210.

Submission:

Labcorp Genetics (formerly Invitae), Labcorp
Classification: Likely pathogenic for 3-methylcrotonyl CoA carboxylase 2 deficiency. Last evaluated: 2019-12-30. Review status: criteria provided, single submitter. Criteria: Invitae Variant Classification Sherloc (09022015). Collection method: clinical testing. Allele origin: germline.
Comment: This variant is an in-frame deletion of the genomic region encompassing exon 4 of the MCCC2 gene. It preserves the integrity of the reading frame. This variant has not been reported in the literature in individuals with MCCC2-related conditions. This variant disrupts the p.Glu99 amino acid residue in MCCC2. Other variant(s) that disrupt this residue have been determined to be pathogenic (PMID: 11181649, 22642865, 11406611). This suggests that this residue is clinically significant, and that variants that disrupt this residue are likely to be disease-causing. In summary, the currently available evidence indicates that the variant is pathogenic, but additional data are needed to prove that conclusively. Therefore, this variant has been classified as Likely Pathogenic.

Literature cited by the submitters: PubMed 22642865; PubMed 11181649; PubMed 11406611.